The following is an entry in ClinVar:

NM_000074.3(CD40LG):c.470del (p.Asn157fs)

Gene: CD40LG (CD40 ligand; plus strand). Cytogenetic location: Xq26.3.
Variant type: Deletion.
Coding change: c.470del on transcript NM_000074.3 (MANE Select); coding-DNA position 470, one base deleted (A; older notation c.470delA).
Protein change: p.Asn157fs; shifts the reading frame from asparagine 157.
Molecular consequence: frameshift variant.
Genome position (GRCh38, 1-based): chrX:136,659,099, A deleted; the last of 4 consecutive A bases (chrX:136,659,096-136,659,099); deleting any one gives the same sequence. VCF-style (leftmost placement, unchanged base first): chrX-136659095-GA-G. GRCh37 (hg19) VCF-style: chrX-135741254-GA-G.
Other names: short protein forms N157fs.
Identifiers: ClinVar variation 1070422 (VCV001070422.9), dbSNP rs2148553684, ClinGen allele CA2499226387.

ClinVar aggregate classification (germline): Pathogenic (1 of 4 stars; one submission).

Conditions:
Hyper-IgM syndrome type 1. Also called: CD40 Ligand Deficiency; X-linked hyper-IgM syndrome; Immunodeficiency, X-linked, with hyper-IgM; Hyper-IgM Immunodeficiency Syndrome, Type 1. Identifiers: Orphanet 101088, MedGen C0398689, MONDO:0010626, OMIM 308230.

Submission:

Labcorp Genetics (formerly Invitae), Labcorp
Classification: Pathogenic for Hyper-IgM syndrome type 1. Last evaluated: 2020-01-27. Review status: criteria provided, single submitter. Criteria: Invitae Variant Classification Sherloc (09022015). Collection method: clinical testing. Allele origin: germline.
Comment: For these reasons, this variant has been classified as Pathogenic. This variant disrupts the C-terminus of the CD40LG protein. Other variant(s) that disrupt this region (p.Gln221*, p.Gln232*) have been determined to be pathogenic (PMID: 7906987, 8550833, 18805740). This suggests that variants that disrupt this region of the protein are likely to be causative of disease. This variant has been observed in individual(s) with hyper-IgM syndrome (PMID: 17553565). This variant is not present in population databases (ExAC no frequency). This sequence change results in a premature translational stop signal in the CD40LG gene (p.Asn157Metfs*5). While this is not anticipated to result in nonsense mediated decay, it is expected to disrupt the last 105 amino acids of the CD40LG protein.

Literature cited by the submitters: PubMed 7906987; PubMed 8550833; PubMed 18805740; PubMed 17553565.